The following is an entry in ClinVar:

NM_002840.5(PTPRF):c.2526A>G (p.Pro842=)

Gene: PTPRF (protein tyrosine phosphatase receptor type F; plus strand). Cytogenetic location: 1p34.2.
Variant type: single nucleotide variant.
Coding change: c.2526A>G on transcript NM_002840.5 (MANE Select); coding-DNA position 2526, A replaced by G.
Protein change: p.Pro842=; no amino-acid change (proline 842 retained).
Molecular consequence: synonymous variant. On other transcripts: intron variant (4).
Genome position (GRCh38, 1-based): chr1:43,603,678, A>G. VCF-style: chr1-43603678-A-G. GRCh37 (hg19) VCF-style: chr1-44069349-A-G.
Other names: c.2499A>G, p.Pro833= (NM_130440.4); c.2182+145A>G (NM_001329138.2); c.2170+145A>G (NM_001329137.2); c.2152+145A>G (NM_001329139.2); c.2125+145A>G (NM_001329140.2).
Identifiers: ClinVar variation 728925 (VCV000728925.5), dbSNP rs145092417, ClinGen allele CA812519.

ClinVar aggregate classification (germline): Benign. Review status: criteria provided, single submitter (1 of 4 stars). 2 submissions from 2 submitters: Benign (1). 1 of the submissions does not count toward it. Last evaluated 2018-05-24.

Conditions:
PTPRF-related disorder. Also called: PTPRF-related condition.

Allele frequency attached by ClinVar (database versions not stated): gnomAD 0.00151 and 0.00166; 1000 Genomes Project 30x 0.00156; 1000 Genomes Project 0.00160; TOPMed 0.00162; ESP Exome Variant Server 0.00169; gnomAD exomes 0.00015 and 0.00039; ExAC 0.00047.
gnomAD v4.1: 449 of 1,613,534 alleles (0.028%); highest among the groups gnomAD compares: African/African-American, 0.56%; no homozygotes.

Submissions (2):

Labcorp Genetics (formerly Invitae), Labcorp
Classification: Benign. Last evaluated: 2018-05-24. Review status: criteria provided, single submitter. Criteria: Invitae Variant Classification Sherloc (09022015). Collection method: clinical testing. Allele origin: germline.

PreventionGenetics, part of Exact Sciences
Classification: Likely benign for PTPRF-related condition. Last evaluated: 2019-06-17. Review status: no assertion criteria provided. Collection method: clinical testing. Allele origin: germline. Not counted in ClinVar's aggregate classification.
Comment: This variant is classified as likely benign based on ACMG/AMP sequence variant interpretation guidelines (Richards et al. 2015 PMID: 25741868, with internal and published modifications).